The following is an entry in ClinVar:

ClinVar aggregate classification (germline): Uncertain significance (1 of 4 stars; one submission).

Allele frequency attached by ClinVar (database versions not stated): TOPMed below 0.00001.

Submission:

Ambry Genetics
Classification: Uncertain significance. Last evaluated: 2023-08-30. Review status: criteria provided, single submitter. Criteria: Ambry Variant Classification Scheme 2023. Collection method: clinical testing. Allele origin: germline.
Comment: The p.P257L variant (also known as c.770C>T), located in coding exon 6 of the RINT1 gene, results from a C to T substitution at nucleotide position 770. The proline at codon 257 is replaced by leucine, an amino acid with similar properties. This amino acid position is conserved. In addition, this alteration is predicted to be tolerated by in silico analysis. Since supporting evidence is limited at this time, the clinical significance of this alteration remains unclear.

NM_021930.6(RINT1):c.770C>T (p.Pro257Leu)

Gene: RINT1 (RAD50 interactor 1; plus strand). Cytogenetic location: 7q22.3.
Variant type: single nucleotide variant.
Coding change: c.770C>T on transcript NM_021930.6 (MANE Select); coding-DNA position 770, C replaced by T.
Protein change: p.Pro257Leu; replaces proline 257 with leucine.
Molecular consequence: missense variant. On other transcripts: 5 prime UTR variant (2), non-coding transcript variant (1), intron variant (1).
Genome position (GRCh38, 1-based): chr7:105,547,264, C>T. VCF-style: chr7-105547264-C-T. GRCh37 (hg19) VCF-style: chr7-105187711-C-T.
Other names: c.536C>T, p.Pro179Leu (NM_001346599.2); c.-250C>T (NM_001346600.2); c.-153C>T (NM_001346601.2); c.-27-2791C>T (NM_001346603.2); short protein forms P257L, P179L.
Identifiers: ClinVar variation 2624783 (VCV002624783.2), dbSNP rs1790708363, ClinGen allele CA368806345.